The following is an entry in ClinVar:

ClinVar aggregate classification (germline): Likely pathogenic (1 of 4 stars; one submission).

Conditions:
PRPH2-related disorder. Also called: PRPH2-related disorders; PRPH2-related condition. Identifiers: MedGen CN239395.

Allele frequency attached by ClinVar (database versions not stated): gnomAD exomes below 0.00001 and 0.00001; TOPMed 0.00001.
gnomAD v4.1: 5 of 1,614,142 alleles (0.00031%); highest among the groups gnomAD compares: Admixed American, 0.0033%; no homozygotes.

Submission:

Labcorp Genetics (formerly Invitae), Labcorp
Classification: Likely pathogenic for PRPH2-related disorder. Last evaluated: 2022-10-05. Review status: criteria provided, single submitter. Criteria: Invitae Variant Classification Sherloc (09022015). Collection method: clinical testing. Allele origin: germline.
Comment: This sequence change replaces glycine, which is neutral and non-polar, with serine, which is neutral and polar, at codon 208 of the PRPH2 protein (p.Gly208Ser). This variant is present in population databases (no rsID available, gnomAD 0.003%). This missense change has been observed in individual(s) with autosomal dominant PRPH2-related conditions (Invitae). ClinVar contains an entry for this variant (Variation ID: 861377). Algorithms developed to predict the effect of missense changes on protein structure and function (SIFT, PolyPhen-2, Align-GVGD) all suggest that this variant is likely to be tolerated. Algorithms developed to predict the effect of sequence changes on RNA splicing suggest that this variant may create or strengthen a splice site. This variant disrupts the p.Gly208 amino acid residue in PRPH2. Other variant(s) that disrupt this residue have been determined to be pathogenic (PMID: 9279751, 12042139, 25447119, 29555955). This suggests that this residue is clinically significant, and that variants that disrupt this residue are likely to be disease-causing. In summary, the currently available evidence indicates that the variant is pathogenic, but additional data are needed to prove that conclusively. Therefore, this variant has been classified as Likely Pathogenic.

Literature cited by the submitters: PubMed 9279751; PubMed 12042139; PubMed 25447119; PubMed 29555955.

NM_000322.5(PRPH2):c.622G>A (p.Gly208Ser)

Gene: PRPH2 (peripherin 2; minus strand). Cytogenetic location: 6p21.1.
Variant type: single nucleotide variant.
Coding change: c.622G>A on transcript NM_000322.5 (MANE Select); coding-DNA position 622, G replaced by A.
Protein change: p.Gly208Ser; replaces glycine 208 with serine.
Molecular consequence: missense variant.
Genome position (GRCh38, 1-based): chr6:42,704,571, C>T on the plus strand (G>A on the coding strand, the complement: PRPH2 is on the minus strand). VCF-style: chr6-42704571-C-T. GRCh37 (hg19) VCF-style: chr6-42672309-C-T.
Other names: short protein forms G208S.
Identifiers: ClinVar variation 861377 (VCV000861377.9), dbSNP rs901479607, ClinGen allele CA138171873.